The following is an entry in ClinVar:

ClinVar aggregate classification (germline): Likely benign (1 of 4 stars; one submission).

Submission:

CeGaT Center for Human Genetics Tuebingen
Classification: Likely benign. Last evaluated: 2026-04-01. Review status: criteria provided, single submitter. Criteria: CeGaT Center For Human Genetics Tuebingen Variant Classification Criteria Version 2. Collection method: clinical testing. Allele origin: germline. Affected: yes. Observed: 4 variant alleles.
Comment: CDC27: BP4, BP7

NM_001256.6(CDC27):c.1227A>C (p.Thr409=)

Gene: CDC27 (cell division cycle 27; minus strand). Cytogenetic location: 17q21.32.
Variant type: single nucleotide variant.
Coding change: c.1227A>C on transcript NM_001256.6 (MANE Select); coding-DNA position 1227, A replaced by C.
Protein change: p.Thr409=; no amino-acid change (threonine 409 retained).
Molecular consequence: synonymous variant. On other transcripts: non-coding transcript variant (1).
Genome position (GRCh38, 1-based): chr17:47,142,380, T>G on the plus strand (A>C on the coding strand, the complement: CDC27 is on the minus strand). VCF-style: chr17-47142380-T-G. GRCh37 (hg19) VCF-style: chr17-45219746-T-G.
Other names: c.1245A>C, p.Thr415= (NM_001114091.4); c.1227A>C, p.Thr409= (NM_001293089.3, NM_001353035.2, NM_001353047.2); c.1044A>C, p.Thr348= (NM_001293091.3, NM_001353049.2); c.936A>C, p.Thr312= (NM_001353050.2); c.36A>C, p.Thr12= (NM_001353051.2).
Identifiers: ClinVar variation 4820767 (VCV004820767.4).